The following is an entry in ClinVar:

NM_033409.4(SLC52A3):c.1149G>A (p.Met383Ile)

Gene: SLC52A3 (solute carrier family 52 member 3; minus strand). Cytogenetic location: 20p13.
Variant type: single nucleotide variant.
Coding change: c.1149G>A on transcript NM_033409.4 (MANE Select); coding-DNA position 1149, G replaced by A.
Protein change: p.Met383Ile; replaces methionine 383 with isoleucine.
Molecular consequence: missense variant.
Genome position (GRCh38, 1-based): chr20:761,749, C>T on the plus strand (G>A on the coding strand, the complement: SLC52A3 is on the minus strand). VCF-style: chr20-761749-C-T. GRCh37 (hg19) VCF-style: chr20-742393-C-T.
Other names: c.1149G>A, p.Met383Ile (NM_001370085.1, NM_001370086.1); short protein forms M383I.
Identifiers: ClinVar variation 543056 (VCV000543056.7), dbSNP rs763995965, ClinGen allele CA9724584.

ClinVar aggregate classification (germline): Uncertain significance (1 of 4 stars; one submission).

Conditions:
Brown-Vialetto-van Laere syndrome 1. Also called: BROWN-VIALETTO-VAN LAERE SYNDROME 1, MILD; PONTOBULBAR PALSY WITH DEAFNESS; BULBAR PALSY, PROGRESSIVE, WITH SENSORINEURAL DEAFNESS. Identifiers: Orphanet 572550, Orphanet 97229, MedGen C0796274, MONDO:0024537, OMIM 211530.

Allele frequency attached by ClinVar (database versions not stated): TOPMed 0.00002; gnomAD exomes 0.00006 and 0.00003; ExAC 0.00001; gnomAD 0.00004.

Submission:

Labcorp Genetics (formerly Invitae), Labcorp
Classification: Uncertain significance for Brown-Vialetto-van Laere syndrome 1. Last evaluated: 2022-07-12. Review status: criteria provided, single submitter. Criteria: Invitae Variant Classification Sherloc (09022015). Collection method: clinical testing. Allele origin: germline.
Comment: This sequence change replaces methionine, which is neutral and non-polar, with isoleucine, which is neutral and non-polar, at codon 383 of the SLC52A3 protein (p.Met383Ile). This variant is present in population databases (rs763995965, gnomAD 0.008%). This variant has not been reported in the literature in individuals affected with SLC52A3-related conditions. ClinVar contains an entry for this variant (Variation ID: 543056). Algorithms developed to predict the effect of missense changes on protein structure and function are either unavailable or do not agree on the potential impact of this missense change (SIFT: "Tolerated"; PolyPhen-2: "Possibly Damaging"; Align-GVGD: "Class C0"). In summary, the available evidence is currently insufficient to determine the role of this variant in disease. Therefore, it has been classified as a Variant of Uncertain Significance.